The following is an entry in ClinVar:

ClinVar aggregate classification (germline): Uncertain significance. Review status: criteria provided, multiple submitters, no conflicts (2 of 4 stars). 2 submissions from 2 submitters: Uncertain significance (2). Last evaluated 2025-08-14.

Allele frequency attached by ClinVar (database versions not stated): ExAC 0.00001; gnomAD 0.00002.

Submissions (2):

Labcorp Genetics (formerly Invitae), Labcorp
Classification: Uncertain significance. Last evaluated: 2025-08-14. Review status: criteria provided, single submitter. Criteria: Invitae Variant Classification Sherloc (09022015). Collection method: clinical testing. Allele origin: germline.
Comment: This sequence change replaces methionine, which is neutral and non-polar, with arginine, which is basic and polar, at codon 227 of the PIGV protein (p.Met227Arg). This variant is present in population databases (rs781524183, gnomAD 0.007%). This variant has not been reported in the literature in individuals affected with PIGV-related conditions. ClinVar contains an entry for this variant (Variation ID: 1449759). Invitae Evidence Modeling of protein sequence and biophysical properties (such as structural, functional, and spatial information, amino acid conservation, physicochemical variation, residue mobility, and thermodynamic stability) indicates that this missense variant is not expected to disrupt PIGV protein function with a negative predictive value of 95%. In summary, the available evidence is currently insufficient to determine the role of this variant in disease. Therefore, it has been classified as a Variant of Uncertain Significance.

GeneDx
Classification: Uncertain significance. Last evaluated: 2023-05-01. Review status: criteria provided, single submitter. Criteria: GeneDx Variant Classification Process June 2021. Collection method: clinical testing. Allele origin: germline. Affected: yes.
Comment: Not observed at significant frequency in large population cohorts (gnomAD); In silico analysis supports that this missense variant does not alter protein structure/function; Has not been previously published as pathogenic or benign to our knowledge

NM_017837.4(PIGV):c.680T>G (p.Met227Arg)

Gene: PIGV (phosphatidylinositol glycan anchor biosynthesis class V; plus strand). Cytogenetic location: 1p36.11.
Variant type: single nucleotide variant.
Coding change: c.680T>G on transcript NM_017837.4 (MANE Select); coding-DNA position 680, T replaced by G.
Protein change: p.Met227Arg; replaces methionine 227 with arginine.
Molecular consequence: missense variant. On other transcripts: non-coding transcript variant (1), intron variant (3).
Genome position (GRCh38, 1-based): chr1:26,794,714, T>G. VCF-style: chr1-26794714-T-G. GRCh37 (hg19) VCF-style: chr1-27121205-T-G.
Other names: c.680T>G, p.Met227Arg (NM_001202554.2, NM_001374478.1, NM_001374480.1 and 2 more transcripts); c.299T>G, p.Met100Arg (NM_001374483.1); c.173-120T>G (NM_001374484.1, NM_001374485.1); c.79-2849T>G (NM_001374486.1); c.680T>G (NM_017837.3); short protein forms M100R, M227R.
Identifiers: ClinVar variation 1449759 (VCV001449759.4), dbSNP rs781524183, ClinGen allele CA708097.